The following is an entry in ClinVar:

ClinVar aggregate classification (germline): Uncertain significance. Review status: criteria provided, multiple submitters, no conflicts (2 of 4 stars). 2 submissions from 2 submitters: Uncertain significance (2). Last evaluated 2025-05-07.

Conditions:
Inborn genetic diseases. Identifiers: MedGen C0950123, MeSH D030342.

gnomAD v4.1: 1 of 1,613,954 alleles (0.000062%); highest among the groups gnomAD compares: African/African-American, 0.0013%; no homozygotes.

Submissions (2):

Ambry Genetics
Classification: Uncertain significance for Inborn genetic diseases. Last evaluated: 2025-05-07. Review status: criteria provided, single submitter. Criteria: Ambry Variant Classification Scheme 2023. Collection method: clinical testing. Allele origin: germline.

Labcorp Genetics (formerly Invitae), Labcorp
Classification: Uncertain significance. Last evaluated: 2024-05-17. Review status: criteria provided, single submitter. Criteria: Invitae Variant Classification Sherloc (09022015). Collection method: clinical testing. Allele origin: germline.
Comment: This sequence change replaces serine, which is neutral and polar, with phenylalanine, which is neutral and non-polar, at codon 396 of the DUOX2 protein (p.Ser396Phe). This variant is present in population databases (no rsID available, gnomAD 0.01%). This variant has not been reported in the literature in individuals affected with DUOX2-related conditions. Advanced modeling of protein sequence and biophysical properties (such as structural, functional, and spatial information, amino acid conservation, physicochemical variation, residue mobility, and thermodynamic stability) performed at Invitae indicates that this missense variant is expected to disrupt DUOX2 protein function with a positive predictive value of 80%. In summary, the available evidence is currently insufficient to determine the role of this variant in disease. Therefore, it has been classified as a Variant of Uncertain Significance.

NM_001363711.2(DUOX2):c.1187C>T (p.Ser396Phe)

Gene: DUOX2 (dual oxidase 2; minus strand). Cytogenetic location: 15q21.1.
Variant type: single nucleotide variant.
Coding change: c.1187C>T on transcript NM_001363711.2 (MANE Select); coding-DNA position 1187, C replaced by T.
Protein change: p.Ser396Phe; replaces serine 396 with phenylalanine.
Molecular consequence: missense variant.
Genome position (GRCh38, 1-based): chr15:45,109,571, G>A on the plus strand (C>T on the coding strand, the complement: DUOX2 is on the minus strand). VCF-style: chr15-45109571-G-A. GRCh37 (hg19) VCF-style: chr15-45401769-G-A.
Other names: c.1187C>T, p.Ser396Phe (NM_014080.5); c.1187C>T (NM_014080.4); short protein forms S396F.
Identifiers: ClinVar variation 3623948 (VCV003623948.3).
Genomic context (GRCh38, chr15:45,109,571, plus strand): 5'-GCTCTGAGCTCACCCCTCAGATCTTCAACCACTATGTTGTCCTCCAACTCCGAAATCTGG[G>A]AGGCCATTCCCAGCAGCAGCTCATTCACCTCCTGGGTACTGTTCAGATTGGGGTTCTGGA-3'
Protein context (NP_001350640.1, residues 386-406): EVNELLLGMA[Ser396Phe]QISELEDNIV